The following is an entry in ClinVar:

ClinVar aggregate classification (germline): Uncertain significance (1 of 4 stars; one submission).

Conditions:
Inborn genetic diseases. Identifiers: MedGen C0950123, MeSH D030342.

Submission:

Ambry Genetics
Classification: Uncertain significance for Inborn genetic diseases. Last evaluated: 2026-09-09. Review status: criteria provided, single submitter. Criteria: Ambry Variant Classification Scheme 2023. Collection method: clinical testing. Allele origin: germline.
Comment: The p.V1896M variant (also known as c.5686G>A), located in coding exon 21 of the FANCM gene, results from a G to A substitution at nucleotide position 5686. The valine at codon 1896 is replaced by methionine, an amino acid with highly similar properties. This amino acid position is conserved. In addition, this alteration is predicted to be tolerated by in silico analysis. Based on the available evidence, the clinical significance of this variant remains unclear.

NM_020937.4(FANCM):c.5686G>A (p.Val1896Met)

Gene: FANCM (FA complementation group M; plus strand). Cytogenetic location: 14q21.2.
Variant type: single nucleotide variant.
Coding change: c.5686G>A on transcript NM_020937.4 (MANE Select); coding-DNA position 5686, G replaced by A.
Protein change: p.Val1896Met; replaces valine 1896 with methionine.
Molecular consequence: missense variant.
Genome position (GRCh38, 1-based): chr14:45,196,517, G>A. VCF-style: chr14-45196517-G-A. GRCh37 (hg19) VCF-style: chr14-45665720-G-A.
Other names: c.5608G>A, p.Val1870Met (NM_001308133.2); short protein forms V1896M, V1870M.
Identifiers: ClinVar variation 4254766 (VCV004254766.2).